The following is an entry in ClinVar:

ClinVar aggregate classification (germline): Uncertain significance (1 of 4 stars; one submission).

Allele frequency attached by ClinVar (database versions not stated): gnomAD exomes below 0.00001; ExAC 0.00001.

Submission:

Labcorp Genetics (formerly Invitae), Labcorp
Classification: Uncertain significance. Last evaluated: 2025-07-15. Review status: criteria provided, single submitter. Criteria: Invitae Variant Classification Sherloc (09022015). Collection method: clinical testing. Allele origin: germline.
Comment: This sequence change replaces cysteine, which is neutral and slightly polar, with tyrosine, which is neutral and polar, at codon 208 of the AP3D1 protein (p.Cys208Tyr). This variant is present in population databases (rs752173573, gnomAD 0.003%). This variant has not been reported in the literature in individuals affected with AP3D1-related conditions. ClinVar contains an entry for this variant (Variation ID: 2190651). An algorithm developed to predict the effect of missense changes on protein structure and function (PolyPhen-2) suggests that this variant is likely to be disruptive. In summary, the available evidence is currently insufficient to determine the role of this variant in disease. Therefore, it has been classified as a Variant of Uncertain Significance.

NM_001261826.3(AP3D1):c.623G>A (p.Cys208Tyr)

Gene: AP3D1 (adaptor related protein complex 3 subunit delta 1; minus strand). Cytogenetic location: 19p13.3.
Variant type: single nucleotide variant.
Coding change: c.623G>A on transcript NM_001261826.3 (MANE Select); coding-DNA position 623, G replaced by A.
Protein change: p.Cys208Tyr; replaces cysteine 208 with tyrosine.
Molecular consequence: missense variant.
Genome position (GRCh38, 1-based): chr19:2,129,427, C>T on the plus strand (G>A on the coding strand, the complement: AP3D1 is on the minus strand). VCF-style: chr19-2129427-C-T. GRCh37 (hg19) VCF-style: chr19-2129426-C-T.
Other names: c.623G>A, p.Cys208Tyr (NM_001374799.1, NM_003938.8); short protein forms C208Y.
Identifiers: ClinVar variation 2190651 (VCV002190651.4), dbSNP rs752173573, ClinGen allele CA9059633.
Genomic context (GRCh38, chr19:2,129,427, plus strand): 5'-AGCTTGAAAAAGAGCGGGGCCAGGGACAGGTAGTTCTTAGGGTTGCGTCTGGCCAGCTCG[C>T]AGATGACATTGACGGCAGCCGACTGAACCCCTGGGGAACAAGGGGTTCTCATCAGCATGC-3'
Protein context (NP_001248755.1, residues 198-218): GVQSAAVNVI[Cys208Tyr]ELARRNPKNY